The following is an entry in ClinVar:

NM_001365999.1(SZT2):c.6592G>C (p.Val2198Leu)

Gene: SZT2 (SZT2 subunit of KICSTOR complex; plus strand). Cytogenetic location: 1p34.2.
Variant type: single nucleotide variant.
Coding change: c.6592G>C on transcript NM_001365999.1 (MANE Select); coding-DNA position 6592, G replaced by C.
Protein change: p.Val2198Leu; replaces valine 2198 with leucine.
Molecular consequence: missense variant.
Genome position (GRCh38, 1-based): chr1:43,438,782, G>C. VCF-style: chr1-43438782-G-C. GRCh37 (hg19) VCF-style: chr1-43904453-G-C.
Other names: c.6421G>C, p.Val2141Leu (NM_015284.4); short protein forms V2141L, V2198L.
Identifiers: ClinVar variation 1327242 (VCV001327242.10), dbSNP rs746050802, ClinGen allele CA809951.

ClinVar aggregate classification (germline): Uncertain significance. Review status: criteria provided, multiple submitters, no conflicts (2 of 4 stars). 4 submissions from 4 submitters: Uncertain significance (4). Last evaluated 2025-06-22.

Conditions:
Inborn genetic diseases. Identifiers: MedGen C0950123, MeSH D030342.
Developmental and epileptic encephalopathy, 18 (DEE18). Also called: Early infantile epileptic encephalopathy 18. Identifiers: Orphanet 369894, MedGen C3809624, MONDO:0014201, OMIM 615476.

Allele frequency attached by ClinVar (database versions not stated): TOPMed below 0.00001; gnomAD exomes 0.00001 and 0.00002; ExAC 0.00002.
gnomAD v4.1: 34 of 1,614,048 alleles (0.0021%); highest among the groups gnomAD compares: Non-Finnish European, 0.0027%; no homozygotes.

Submissions (4):

Ambry Genetics
Classification: Uncertain significance for Inborn genetic diseases. Last evaluated: 2025-06-22. Review status: criteria provided, single submitter. Criteria: Ambry Variant Classification Scheme 2023. Collection method: clinical testing. Allele origin: germline.

GeneDx
Classification: Uncertain significance. Last evaluated: 2024-10-15. Review status: criteria provided, single submitter. Criteria: GeneDx Variant Classification Process June 2021. Collection method: clinical testing. Allele origin: germline. Affected: yes.
Comment: Not observed at significant frequency in large population cohorts (gnomAD); In silico analysis indicates that this missense variant does not alter protein structure/function; Has not been previously published as pathogenic or benign to our knowledge

Genome-Nilou Lab
Classification: Uncertain significance for Developmental and epileptic encephalopathy, 18. Last evaluated: 2023-04-11. Review status: criteria provided, single submitter. Criteria: ACMG Guidelines, 2015. Collection method: clinical testing. Allele origin: germline. Affected: no.

Labcorp Genetics (formerly Invitae), Labcorp
Classification: Uncertain significance. Last evaluated: 2022-02-03. Review status: criteria provided, single submitter. Criteria: Invitae Variant Classification Sherloc (09022015). Collection method: clinical testing. Allele origin: germline.
Comment: This sequence change replaces valine, which is neutral and non-polar, with leucine, which is neutral and non-polar, at codon 2141 of the SZT2 protein (p.Val2141Leu). This variant is present in population databases (rs746050802, gnomAD 0.002%). This variant has not been reported in the literature in individuals affected with SZT2-related conditions. ClinVar contains an entry for this variant (Variation ID: 1327242). Algorithms developed to predict the effect of missense changes on protein structure and function are either unavailable or do not agree on the potential impact of this missense change (SIFT: "Tolerated"; PolyPhen-2: "Probably Damaging"; Align-GVGD: "Class C0"). In summary, the available evidence is currently insufficient to determine the role of this variant in disease. Therefore, it has been classified as a Variant of Uncertain Significance.